The following is an entry in ClinVar:

NM_005633.4(SOS1):c.3373A>C (p.Thr1125Pro)

Gene: SOS1 (SOS Ras/Rac guanine nucleotide exchange factor 1; minus strand). Cytogenetic location: 2p22.1.
Variant type: single nucleotide variant.
Coding change: c.3373A>C on transcript NM_005633.4 (MANE Select); coding-DNA position 3373, A replaced by C.
Protein change: p.Thr1125Pro; replaces threonine 1125 with proline.
Molecular consequence: missense variant. On other transcripts: intron variant (1).
Genome position (GRCh38, 1-based): chr2:38,989,288, T>G on the plus strand (A>C on the coding strand, the complement: SOS1 is on the minus strand). VCF-style: chr2-38989288-T-G. GRCh37 (hg19) VCF-style: chr2-39216429-T-G.
Other names: c.3352A>C, p.Thr1118Pro (NM_001382394.1); c.3347-1697A>C (NM_001382395.1); short protein forms T1118P, T1125P.
Identifiers: ClinVar variation 2096271 (VCV002096271.4), dbSNP rs2528887589, ClinGen allele CA346359853.

ClinVar aggregate classification (germline): Uncertain significance (1 of 4 stars; one submission).

Conditions:
RASopathy. Also called: rasopathies; Noonan spectrum disorder. Identifiers: Orphanet 536391, MedGen C5555857, MONDO:0021060.

Submission:

Labcorp Genetics (formerly Invitae), Labcorp
Classification: Uncertain significance for RASopathy. Last evaluated: 2024-01-08. Review status: criteria provided, single submitter. Criteria: Invitae Variant Classification Sherloc (09022015). Collection method: clinical testing. Allele origin: germline.
Comment: This sequence change replaces threonine, which is neutral and polar, with proline, which is neutral and non-polar, at codon 1125 of the SOS1 protein (p.Thr1125Pro). This variant is not present in population databases (gnomAD no frequency). This variant has not been reported in the literature in individuals affected with SOS1-related conditions. ClinVar contains an entry for this variant (Variation ID: 2096271). Advanced modeling of protein sequence and biophysical properties (such as structural, functional, and spatial information, amino acid conservation, physicochemical variation, residue mobility, and thermodynamic stability) performed at Invitae indicates that this missense variant is not expected to disrupt SOS1 protein function with a negative predictive value of 95%. In summary, the available evidence is currently insufficient to determine the role of this variant in disease. Therefore, it has been classified as a Variant of Uncertain Significance.